The following is an entry in ClinVar:

ClinVar aggregate classification (germline): Uncertain significance (1 of 4 stars; one submission).

Submission:

GeneDx
Classification: Uncertain significance. Last evaluated: 2022-04-14. Review status: criteria provided, single submitter. Criteria: GeneDx Variant Classification Process June 2021. Collection method: clinical testing. Allele origin: germline. Affected: yes.
Comment: Not observed at significant frequency in large population cohorts (gnomAD); In silico analysis supports that this missense variant has a deleterious effect on protein structure/function; Has not been previously published as pathogenic or benign to our knowledge

NM_001111125.3(IQSEC2):c.2054A>T (p.Glu685Val)

Gene: IQSEC2 (IQ motif and Sec7 domain ArfGEF 2; minus strand). Cytogenetic location: Xp11.22.
Variant type: single nucleotide variant.
Coding change: c.2054A>T on transcript NM_001111125.3 (MANE Select); coding-DNA position 2054, A replaced by T.
Protein change: p.Glu685Val; replaces glutamic acid 685 with valine.
Molecular consequence: missense variant.
Genome position (GRCh38, 1-based): chrX:53,250,522, T>A on the plus strand (A>T on the coding strand, the complement: IQSEC2 is on the minus strand). VCF-style: chrX-53250522-T-A. GRCh37 (hg19) VCF-style: chrX-53279704-T-A.
Other names: c.2054A>T, p.Glu685Val (NM_001410736.1); c.1439A>T, p.Glu480Val (NM_015075.2); short protein forms E480V, E685V.
Identifiers: ClinVar variation 1712908 (VCV001712908.2), dbSNP rs2519799650, ClinGen allele CA413162537.